The following is an entry in ClinVar:

NM_001384732.1(CPLANE1):c.1055C>A (p.Thr352Lys)

Gene: CPLANE1 (ciliogenesis and planar polarity effector complex subunit 1; minus strand). Cytogenetic location: 5p13.2.
Variant type: single nucleotide variant.
Coding change: c.1055C>A on transcript NM_001384732.1 (MANE Select); coding-DNA position 1055, C replaced by A.
Protein change: p.Thr352Lys; replaces threonine 352 with lysine.
Molecular consequence: missense variant.
Genome position (GRCh38, 1-based): chr5:37,230,933, G>T on the plus strand (C>A on the coding strand, the complement: CPLANE1 is on the minus strand). VCF-style: chr5-37230933-G-T. GRCh37 (hg19) VCF-style: chr5-37231035-G-T.
Other names: c.1055C>A, p.Thr352Lys (NM_023073.4); short protein forms T352K.
Identifiers: ClinVar variation 452313 (VCV000452313.8), dbSNP rs1443893630, ClinGen allele CA359509486.

ClinVar aggregate classification (germline): Uncertain significance. Review status: criteria provided, multiple submitters, no conflicts (2 of 4 stars). 3 submissions from 3 submitters: Uncertain significance (3). Last evaluated 2024-05-31.

Conditions:
Joubert syndrome 17 (JBTS17). Identifiers: Orphanet 475, MedGen C3553264, MONDO:0013824, OMIM 614615.
Orofaciodigital syndrome type 6 (OFD6). Also called: OROFACIODIGITAL SYNDROME VI; OFDS VI; POLYDACTYLY, CLEFT LIP/PALATE OR LINGUAL LUMP, AND PSYCHOMOTOR RETARDATION; VARADI SYNDROME; VARADI-PAPP SYNDROME; Oral-facial-digital syndrome type 6. Identifiers: Orphanet 2754, MedGen C2745997, MONDO:0010176, OMIM 277170.

Allele frequency attached by ClinVar (database versions not stated): TOPMed 0.00001.

Submissions (3):

Fulgent Genetics
Classification: Uncertain significance for Orofaciodigital syndrome type 6; Joubert syndrome 17. Last evaluated: 2024-05-31. Review status: criteria provided, single submitter. Criteria: ACMG Guidelines, 2015. Collection method: clinical testing. Allele origin: germline.

Labcorp Genetics (formerly Invitae), Labcorp
Classification: Uncertain significance. Last evaluated: 2022-03-09. Review status: criteria provided, single submitter. Criteria: Invitae Variant Classification Sherloc (09022015). Collection method: clinical testing. Allele origin: germline.
Comment: This sequence change replaces threonine, which is neutral and polar, with lysine, which is basic and polar, at codon 352 of the CPLANE1 protein (p.Thr352Lys). This variant is not present in population databases (gnomAD no frequency). In summary, the available evidence is currently insufficient to determine the role of this variant in disease. Therefore, it has been classified as a Variant of Uncertain Significance. Advanced modeling of protein sequence and biophysical properties (such as structural, functional, and spatial information, amino acid conservation, physicochemical variation, residue mobility, and thermodynamic stability) performed at Invitae indicates that this missense variant is expected to disrupt CPLANE1 protein function. ClinVar contains an entry for this variant (Variation ID: 452313). This variant has not been reported in the literature in individuals affected with CPLANE1-related conditions.

GeneDx
Classification: Uncertain significance. Last evaluated: 2019-05-31. Review status: criteria provided, single submitter. Criteria: GeneDx Variant Classification Process June 2021. Collection method: clinical testing. Allele origin: germline. Affected: yes.
Comment: Not observed in large population cohorts (Lek et al., 2016); In silico analysis, which includes protein predictors and evolutionary conservation, supports a deleterious effect; Has not been previously published as pathogenic or benign to our knowledge